The following is an entry in ClinVar:

NM_000823.4(GHRHR):c.1265T>C (p.Met422Thr)

Gene: GHRHR (growth hormone releasing hormone receptor; plus strand). Cytogenetic location: 7p14.3.
Variant type: single nucleotide variant.
Coding change: c.1265T>C on transcript NM_000823.4 (MANE Select); coding-DNA position 1265, T replaced by C.
Protein change: p.Met422Thr; replaces methionine 422 with threonine.
Molecular consequence: missense variant.
Genome position (GRCh38, 1-based): chr7:30,979,237, T>C. VCF-style: chr7-30979237-T-C. GRCh37 (hg19) VCF-style: chr7-31018852-T-C.
Other names: short protein forms M422T.
Identifiers: ClinVar variation 360037 (VCV000360037.20), dbSNP rs2228078, ClinGen allele CA4208861.

ClinVar aggregate classification (germline): Benign/Likely benign. Review status: criteria provided, multiple submitters, no conflicts (2 of 4 stars). 5 submissions from 5 submitters: Benign (4); Likely benign (1). Last evaluated 2026-05-09.

Conditions:
Isolated growth hormone deficiency type IB (IGHD1B). Also called: IGHD IB; IGHD 1B. Identifiers: Orphanet 231671, Orphanet 631, MedGen C2748571, MONDO:0013006, OMIM 612781.

Allele frequency attached by ClinVar (database versions not stated): ExAC 0.04114; ESP Exome Variant Server 0.01430; gnomAD 0.02812 and 0.02917; 1000 Genomes Project 0.03714; TOPMed 0.03964; 1000 Genomes Project 30x 0.04013.
gnomAD v4.1: 38,379 of 1,613,800 alleles (2.4%); highest among the groups gnomAD compares: Admixed American, 22%; 2,066 homozygotes.

Submissions (5):

Women's Health and Genetics/Laboratory Corporation of America, LabCorp
Classification: Likely benign. Last evaluated: 2026-05-09. Review status: criteria provided, single submitter. Criteria: LabCorp Variant Classification Summary - May 2015. Collection method: clinical testing. Allele origin: germline.

Labcorp Genetics (formerly Invitae), Labcorp
Classification: Benign. Last evaluated: 2026-02-02. Review status: criteria provided, single submitter. Criteria: Invitae Variant Classification Sherloc (09022015). Collection method: clinical testing. Allele origin: germline.

GeneDx
Classification: Benign. Last evaluated: 2018-11-12. Review status: criteria provided, single submitter. Criteria: GeneDx Variant Classification Process June 2021. Collection method: clinical testing. Allele origin: germline. Affected: yes.
Comment: This variant is associated with the following publications: (PMID: 22449891)

Eurofins Ntd Llc (ga)
Classification: Benign. Last evaluated: 2018-06-28. Review status: criteria provided, single submitter. Criteria: EGL ClinVar v180209 classification definitions. Collection method: clinical testing. Allele origin: germline. Observed: 1 variant allele, 1 heterozygote.

Illumina Laboratory Services, Illumina
Classification: Benign for Isolated growth hormone deficiency type IB. Last evaluated: 2018-01-13. Review status: criteria provided, single submitter. Criteria: ICSL Variant Classification Criteria 13 December 2019. Collection method: clinical testing. Allele origin: germline.
Comment: This variant was observed in the ICSL laboratory as part of a predisposition screen in an ostensibly healthy population. It had not been previously curated by ICSL or reported in the Human Gene Mutation Database (HGMD: prior to June 1st, 2018), and was therefore a candidate for classification through an automated scoring system. Utilizing variant allele frequency, disease prevalence and penetrance estimates, and inheritance mode, an automated score was calculated to assess if this variant is too frequent to cause the disease. Based on the score and internal cut-off values, a variant classified as benign is not then subjected to further curation. The score for this variant resulted in a classification of benign for this disease.

Literature cited by the submitters: PubMed 12414875 (cited by Women's Health and Genetics/Laboratory Corporation of America, LabCorp); PubMed 12163232 (cited by Women's Health and Genetics/Laboratory Corporation of America, LabCorp).